The following is an entry in ClinVar:

NM_020975.6(RET):c.2050C>T (p.Pro684Ser)

Gene: RET (ret proto-oncogene; plus strand). Cytogenetic location: 10q11.21.
Variant type: single nucleotide variant.
Coding change: c.2050C>T on transcript NM_020975.6 (MANE Select); coding-DNA position 2050, C replaced by T.
Protein change: p.Pro684Ser; replaces proline 684 with serine.
Molecular consequence: missense variant.
Genome position (GRCh38, 1-based): chr10:43,114,650, C>T. VCF-style: chr10-43114650-C-T. GRCh37 (hg19) VCF-style: chr10-43610098-C-T.
Other names: c.2050C>T, p.Pro684Ser (NM_000323.2, NM_001406743.1, NM_001406744.1 and 4 more transcripts); c.1288C>T, p.Pro430Ser (NM_001355216.2); c.1921C>T, p.Pro641Ser (NM_001406761.1, NM_001406762.1, NM_001406764.1); c.1915C>T, p.Pro639Ser (NM_001406763.1, NM_001406765.1); c.1762C>T, p.Pro588Ser (NM_001406766.1, NM_001406767.1, NM_001406770.1); c.1786C>T, p.Pro596Ser (NM_001406768.1); c.1654C>T, p.Pro552Ser (NM_001406769.1, NM_001406772.1); c.1612C>T, p.Pro538Ser (NM_001406771.1, NM_001406773.1); and 10 more; short protein forms P684S, P430S, P249S, P340S, P354S, P538S, P639S, P641S.
Identifiers: ClinVar variation 299896 (VCV000299896.21), dbSNP rs141347316, ClinGen allele CA037073.
Genomic context (GRCh38, chr10:43,114,650, plus strand): 5'-GCCCACAAGCCACCCATCTCCTCAGCTGAGATGACCTTCCGGAGGCCCGCCCAGGCCTTC[C>T]CGGTCAGCTACTCCTCTTCCGGTGCCCGCCGGCCCTCGCTGGACTCCATGGAGAACCAGG-3'
Protein context (NP_066124.1, residues 674-694): MTFRRPAQAF[Pro684Ser]VSYSSSGARR

ClinVar aggregate classification (germline): Uncertain significance. Review status: criteria provided, multiple submitters, no conflicts (2 of 4 stars). 9 submissions from 6 submitters: Uncertain significance (9). Last evaluated 2025-11-14.

Conditions:
Hirschsprung disease, susceptibility to, 1 (HSCR1). Also called: RET-Related Hirschsprung Disease. Identifiers: Orphanet 388, MedGen C3888239, MONDO:0007723, OMIM 142623.
Familial medullary thyroid carcinoma (MTC). Also called: Thyroid cancer, familial medullary; MTC, familial; Familial Medullary Thyroid Carcinoma (FMTC). Identifiers: Orphanet 653, Orphanet 99361, MedGen C1833921, MONDO:0007958, OMIM 155240.
Pheochromocytoma. Also called: MAX-Related Hereditary Paraganglioma-Pheochromocytoma Syndrome. Identifiers: Orphanet 29072, MedGen C0031511, MONDO:0008233, OMIM 171300, HP:0002666.
Multiple endocrine neoplasia type 2A. Also called: Multiple Endocrine Neoplasia Type 2A (MEN2A); MULTIPLE ENDOCRINE NEOPLASIA, TYPE IIA; PTC SYNDROME; SIPPLE SYNDROME; MEN 2A; MEN-2A syndrome. Identifiers: Orphanet 247698, Orphanet 653, MedGen C0025268, MeSH D018813, MONDO:0008234, OMIM 171400.
Multiple endocrine neoplasia type 2B. Also called: Multiple endocrine neoplasia, type 3; MEN 2B; MEN IIB; NEUROMATA, MUCOSAL, WITH ENDOCRINE TUMORS; Multiple Endocrine Neoplasia Type 2B (MEN2B); WAGENMANN-FROBOESE SYNDROME. Identifiers: Orphanet 247709, Orphanet 653, MedGen C0025269, MeSH D018814, MONDO:0008082, OMIM 162300.
Multiple endocrine neoplasia, type 2 (MEN2). Identifiers: Orphanet 653, MedGen C4048306, MONDO:0019003. Disease mechanism: gain of function.
Renal hypodysplasia/aplasia 1 (RHDA1). Also called: RENAL APLASIA; HEREDITARY RENAL APLASIA. Identifiers: Orphanet 411709, MedGen C1619700, MONDO:0024519, OMIM 191830.
Multiple endocrine neoplasia. Identifiers: Orphanet 276161, MedGen C0027662, MONDO:0017169.
Hereditary cancer-predisposing syndrome. Also called: Hereditary neoplastic syndrome; Tumor predisposition; Neoplastic Syndromes, Hereditary; Hereditary Cancer Syndrome. Identifiers: Orphanet 140162, MedGen C0027672, MeSH D009386, MONDO:0015356.

Allele frequency attached by ClinVar (database versions not stated): TOPMed below 0.00001; ExAC 0.00001; gnomAD exomes 0.00001; ESP Exome Variant Server 0.00008.
gnomAD v4.1: 7 of 1,613,046 alleles (0.00043%); highest among the groups gnomAD compares: Admixed American, 0.0017%; no homozygotes.

Submissions (9):

Labcorp Genetics (formerly Invitae), Labcorp
Classification: Uncertain significance for Multiple endocrine neoplasia, type 2. Last evaluated: 2025-11-14. Review status: criteria provided, single submitter. Criteria: Invitae Variant Classification Sherloc (09022015). Collection method: clinical testing. Allele origin: germline.
Comment: This sequence change replaces proline, which is neutral and non-polar, with serine, which is neutral and polar, at codon 684 of the RET protein (p.Pro684Ser). This variant is present in population databases (rs141347316, gnomAD 0.003%). This variant has not been reported in the literature in individuals affected with RET-related conditions. ClinVar contains an entry for this variant (Variation ID: 299896). An algorithm developed to predict the effect of missense changes on protein structure and function (PolyPhen-2) suggests that this variant is likely to be tolerated. In summary, the available evidence is currently insufficient to determine the role of this variant in disease. Therefore, it has been classified as a Variant of Uncertain Significance.

Ambry Genetics
Classification: Uncertain significance for Hereditary cancer-predisposing syndrome. Last evaluated: 2025-10-02. Review status: criteria provided, single submitter. Criteria: Ambry Variant Classification Scheme 2023. Collection method: clinical testing. Allele origin: germline.
Comment: The p.P684S variant (also known as c.2050C>T), located in coding exon 11 of the RET gene, results from a C to T substitution at nucleotide position 2050. The proline at codon 684 is replaced by serine, an amino acid with similar properties. This amino acid position is highly conserved in available vertebrate species. In addition, the in silico prediction for this alteration is inconclusive. Since supporting evidence is limited at this time, the clinical significance of this alteration remains unclear.

Fulgent Genetics
Classification: Uncertain significance for Hirschsprung disease, susceptibility to, 1; Familial medullary thyroid carcinoma; Multiple endocrine neoplasia type 2B; Pheochromocytoma; Multiple endocrine neoplasia type 2A. Last evaluated: 2024-04-08. Review status: criteria provided, single submitter. Criteria: ACMG Guidelines, 2015. Collection method: clinical testing. Allele origin: germline.

All of Us Research Program, National Institutes of Health
Classification: Uncertain significance for Multiple endocrine neoplasia, type 2. Last evaluated: 2024-02-22. Review status: criteria provided, single submitter. Criteria: ACMG Guidelines, 2015. Collection method: clinical testing. Allele origin: germline. Inheritance: Autosomal dominant inheritance. Observed: 3 variant alleles, 3 heterozygotes.
Comment: This missense variant replaces proline with serine at codon 684 of the RET protein. Computational prediction suggests that this variant may not impact protein structure and function (internally defined REVEL score threshold <= 0.5, PMID: 27666373). To our knowledge, functional studies have not been reported for this variant. This variant has not been reported in individuals affected with hereditary cancer in the literature. This variant has been identified in 2/250646 chromosomes in the general population by the Genome Aggregation Database (gnomAD). The available evidence is insufficient to determine the role of this variant in disease conclusively. Therefore, this variant is classified as a Variant of Uncertain Significance.

This study involves interpretation of variants in research participants for the purpose of population health screening. Participant phenotype was not available at the time of variant classification. Additional details can be found in publication PMID: 35346344, PMCID: PMC8962531

GeneDx
Classification: Uncertain significance. Last evaluated: 2023-02-13. Review status: criteria provided, single submitter. Criteria: GeneDx Variant Classification Process June 2021. Collection method: clinical testing. Allele origin: germline. Affected: yes.
Comment: Not observed at significant frequency in large population cohorts (gnomAD); In silico analysis supports that this missense variant has a deleterious effect on protein structure/function; Has not been previously published as pathogenic or benign to our knowledge

Illumina Laboratory Services, Illumina
Classification: Uncertain significance for Renal hypodysplasia/aplasia 1. Last evaluated: 2018-01-13. Review status: criteria provided, single submitter. Criteria: ICSL Variant Classification Criteria 13 December 2019. Collection method: clinical testing. Allele origin: germline.

Illumina Laboratory Services, Illumina
Classification: Uncertain significance for Hirschsprung disease, susceptibility to, 1. Last evaluated: 2018-01-13. Review status: criteria provided, single submitter. Criteria: ICSL Variant Classification Criteria 13 December 2019. Collection method: clinical testing. Allele origin: germline.

Illumina Laboratory Services, Illumina
Classification: Uncertain significance for Pheochromocytoma. Last evaluated: 2018-01-13. Review status: criteria provided, single submitter. Criteria: ICSL Variant Classification Criteria 13 December 2019. Collection method: clinical testing. Allele origin: germline.

Illumina Laboratory Services, Illumina
Classification: Uncertain significance for Multiple endocrine neoplasia. Last evaluated: 2018-01-13. Review status: criteria provided, single submitter. Criteria: ICSL Variant Classification Criteria 13 December 2019. Collection method: clinical testing. Allele origin: germline.